The following is an entry in ClinVar:

NM_001127222.2(CACNA1A):c.2533G>A (p.Val845Met)

Gene: CACNA1A (calcium voltage-gated channel subunit alpha1 A; minus strand). Cytogenetic location: 19p13.13.
Variant type: single nucleotide variant.
Coding change: c.2533G>A on transcript NM_001127222.2 (MANE Select); coding-DNA position 2533, G replaced by A.
Protein change: p.Val845Met; replaces valine 845 with methionine.
Molecular consequence: missense variant.
Genome position (GRCh38, 1-based): chr19:13,299,100, C>T on the plus strand (G>A on the coding strand, the complement: CACNA1A is on the minus strand). VCF-style: chr19-13299100-C-T. GRCh37 (hg19) VCF-style: chr19-13409914-C-T.
Other names: c.2545G>A, p.Val849Met (NM_000068.4, NM_023035.3); c.2536G>A, p.Val846Met (NM_001127221.2, NM_001174080.2); short protein forms V849M, V845M, V846M.
Identifiers: ClinVar variation 842862 (VCV000842862.12), dbSNP rs1168020406, ClinGen allele CA404343246.

ClinVar aggregate classification (germline): Uncertain significance (1 of 4 stars; one submission).

Conditions:
Episodic ataxia type 2 (EA2). Also called: ACETAZOLAMIDE-RESPONSIVE HEREDITARY PAROXYSMAL CEREBELLAR ATAXIA; ATAXIA, EPISODIC, WITH NYSTAGMUS; ATAXIA, FAMILIAL PAROXYSMAL; CEREBELLAR ATAXIA, PAROXYSMAL, ACETAZOLAMIDE-RESPONSIVE; CEREBELLOPATHY, HEREDITARY PAROXYSMAL; EPISODIC ATAXIA, NYSTAGMUS-ASSOCIATED. Identifiers: Orphanet 97, MedGen C1720416, MONDO:0007163, OMIM 108500.
Developmental and epileptic encephalopathy, 42 (DEE42A). Also called: DEVELOPMENTAL AND EPILEPTIC ENCEPHALOPATHY 42A; EPILEPTIC ENCEPHALOPATHY, EARLY INFANTILE, 42A; Epileptic encephalopathy, early infantile, 42. Identifiers: MedGen C4310716, MONDO:0014917, OMIM 617106.

Allele frequency attached by ClinVar (database versions not stated): gnomAD exomes below 0.00001.

Submission:

Labcorp Genetics (formerly Invitae), Labcorp
Classification: Uncertain significance for Developmental and epileptic encephalopathy, 42; Episodic ataxia type 2. Last evaluated: 2019-12-19. Review status: criteria provided, single submitter. Criteria: Invitae Variant Classification Sherloc (09022015). Collection method: clinical testing. Allele origin: germline.
Comment: In summary, the available evidence is currently insufficient to determine the role of this variant in disease. Therefore, it has been classified as a Variant of Uncertain Significance. Algorithms developed to predict the effect of missense changes on protein structure and function output the following: SIFT: "Deleterious"; PolyPhen-2: "Benign"; Align-GVGD: "Class C0". The methionine amino acid residue is found in multiple mammalian species, suggesting that this missense change does not adversely affect protein function. These predictions have not been confirmed by published functional studies and their clinical significance is uncertain. This variant has not been reported in the literature in individuals with CACNA1A-related conditions. This variant is not present in population databases (ExAC no frequency). This sequence change replaces valine with methionine at codon 846 of the CACNA1A protein (p.Val846Met). The valine residue is weakly conserved and there is a small physicochemical difference between valine and methionine.